The following is an entry in ClinVar:

NM_198578.4(LRRK2):c.2581G>A (p.Asp861Asn)

Gene: LRRK2 (leucine rich repeat kinase 2; plus strand). Cytogenetic location: 12q12.
Variant type: single nucleotide variant.
Coding change: c.2581G>A on transcript NM_198578.4 (MANE Select); coding-DNA position 2581, G replaced by A.
Protein change: p.Asp861Asn; replaces aspartic acid 861 with asparagine.
Molecular consequence: missense variant.
Genome position (GRCh38, 1-based): chr12:40,287,431, G>A. VCF-style: chr12-40287431-G-A. GRCh37 (hg19) VCF-style: chr12-40681233-G-A.
Other names: short protein forms D861N.
Identifiers: ClinVar variation 1793384 (VCV001793384.2), dbSNP rs781598112, ClinGen allele CA6513680.
Genomic context (GRCh38, chr12:40,287,431, plus strand): 5'-AGAATGGTGATCAGATATCAGATGAAAAGTGCTGTGGAAGAAGGAACAGCCTCAGGCAGC[G>A]ATGGAAATTTTTCTGAAGATGTGCTGTCTAAATTTGATGAATGGACCTTTATTCCTGACT-3'
Protein context (NP_940980.4, residues 851-871): AVEEGTASGS[Asp861Asn]GNFSEDVLSK

ClinVar aggregate classification (germline): Uncertain significance (1 of 4 stars; one submission).

Conditions:
Inborn genetic diseases. Identifiers: MedGen C0950123, MeSH D030342.

Allele frequency attached by ClinVar (database versions not stated): gnomAD exomes 0.00001; TOPMed 0.00001; ExAC 0.00002.
gnomAD v4.1: 7 of 1,612,686 alleles (0.00043%); highest among the groups gnomAD compares: Admixed American, 0.0084%; no homozygotes.

Submission:

Ambry Genetics
Classification: Uncertain significance for Inborn genetic diseases. Last evaluated: 2023-09-20. Review status: criteria provided, single submitter. Criteria: Ambry Variant Classification Scheme 2023. Collection method: clinical testing. Allele origin: germline.
Comment: The p.D861N variant (also known as c.2581G>A), located in coding exon 20 of the LRRK2 gene, results from a G to A substitution at nucleotide position 2581. The aspartic acid at codon 861 is replaced by asparagine, an amino acid with highly similar properties. This amino acid position is conserved. In addition, this alteration is predicted to be tolerated by in silico analysis. Since supporting evidence is limited at this time, the clinical significance of this alteration remains unclear.